The following is an entry in ClinVar:

NM_001033855.3(DCLRE1C):c.623C>T (p.Ala208Val)

Gene: DCLRE1C (DNA cross-link repair 1C; minus strand). Cytogenetic location: 10p13.
Variant type: single nucleotide variant.
Coding change: c.623C>T on transcript NM_001033855.3 (MANE Select); coding-DNA position 623, C replaced by T.
Protein change: p.Ala208Val; replaces alanine 208 with valine.
Molecular consequence: missense variant. On other transcripts: non-coding transcript variant (4).
Genome position (GRCh38, 1-based): chr10:14,934,435, G>A on the plus strand (C>T on the coding strand, the complement: DCLRE1C is on the minus strand). VCF-style: chr10-14934435-G-A. GRCh37 (hg19) VCF-style: chr10-14976434-G-A.
Other names: NM_001033855.3(DCLRE1C):c.623C>T; p.Ala208Val; c.263C>T, p.Ala88Val (NM_001033857.3, NM_001033858.3, NM_001289077.2 and 2 more transcripts); c.278C>T, p.Ala93Val (NM_001289076.2, NM_001289078.2, NM_001350966.2 and 1 more transcripts); c.623C>T, p.Ala208Val (NM_001350965.2); short protein forms A208V, A88V, A93V.
Identifiers: ClinVar variation 1515797 (VCV001515797.4), dbSNP rs1326360954, ClinGen allele CA376059471.

ClinVar aggregate classification (germline): Uncertain significance. Review status: reviewed by expert panel (3 of 4 stars). 3 submissions from 3 submitters: Uncertain significance (1). 2 of the submissions do not count toward it. Last evaluated 2024-02-15.

Conditions:
Severe combined immunodeficiency due to DCLRE1C deficiency (RS-SCID). Also called: SCID, AUTOSOMAL RECESSIVE, T CELL-NEGATIVE, B CELL-NEGATIVE, NK CELL-POSITIVE, WITH SENSITIVITY TO IONIZING RADIATION. Identifiers: Orphanet 275, MedGen C1865371, MONDO:0011225, OMIM 602450.

Allele frequency attached by ClinVar (database versions not stated): gnomAD exomes 0.00001; TOPMed 0.00001; gnomAD 0.00001.

Submissions (3):

ClinGen Severe Combined Immunodeficiency Variant Curation Expert Panel, ClinGen
Classification: Uncertain significance for Severe combined immunodeficiency due to DCLRE1C deficiency. Last evaluated: 2024-02-15. Review status: reviewed by expert panel. Criteria: ClinGen SCID ACMG Specifications DCLRE1C V1.0.0. Collection method: curation. Allele origin: germline. Inheritance: Autosomal recessive inheritance.
Comment: The c.623C>T (NM_001033855.3) variant in DCLRE1C is a missense variant predicted to cause the substitution of Alanine by Valine at amino acid 208 (p.Ala208Val). The filtering allele frequency (the upper threshold of the 95% CI of 11/1180008 alleles) of the c.623C>T variant in DCLRE1C is 0.000005310 for European (non-Finnish) chromosomes by gnomAD v4, which is lower than the ClinGen SCID VCEP threshold (<0.00003266) for PM2_Supporting, and therefore meets this criterion (PM2_Supporting). No homozygotes have been observed in gnomAD. To our knowledge, this variant has not been reported in the literature in individuals affected with SCID/DCLRE1C-related conditions or in functional studies. In summary, this variant meets the criteria to be classified as a variant of uncertain significance for autosomal recessive severe combined immunodeficiency due to DCLRE1C deficiency based on the ACMG/AMP criteria applied, as specified by the ClinGen SCID VCEP: PM2_Supporting (VCEP specifications version 1).

Blueprint Genetics
Classification: Uncertain significance. Last evaluated: 2023-03-10. Review status: criteria provided, single submitter. Criteria: ACMG Guidelines, 2015. Collection method: clinical testing. Allele origin: germline. Not counted in ClinVar's aggregate classification.

Labcorp Genetics (formerly Invitae), Labcorp
Classification: Uncertain significance for Athabaskan severe combined immunodeficiency. Last evaluated: 2022-11-03. Review status: criteria provided, single submitter. Criteria: Invitae Variant Classification Sherloc (09022015). Collection method: clinical testing. Allele origin: germline. Not counted in ClinVar's aggregate classification.
Comment: This sequence change replaces alanine, which is neutral and non-polar, with valine, which is neutral and non-polar, at codon 208 of the DCLRE1C protein (p.Ala208Val). This variant is present in population databases (no rsID available, gnomAD 0.003%). This variant has not been reported in the literature in individuals affected with DCLRE1C-related conditions. ClinVar contains an entry for this variant (Variation ID: 1515797). Advanced modeling of protein sequence and biophysical properties (such as structural, functional, and spatial information, amino acid conservation, physicochemical variation, residue mobility, and thermodynamic stability) performed at Invitae indicates that this missense variant is not expected to disrupt DCLRE1C protein function. In summary, the available evidence is currently insufficient to determine the role of this variant in disease. Therefore, it has been classified as a Variant of Uncertain Significance.